The following is an entry in ClinVar:

NM_000179.3(MSH6):c.3167T>C (p.Val1056Ala)

Gene: MSH6 (mutS homolog 6; plus strand). Cytogenetic location: 2p16.3.
Variant type: single nucleotide variant.
Coding change: c.3167T>C on transcript NM_000179.3 (MANE Select); coding-DNA position 3167, T replaced by C.
Protein change: p.Val1056Ala; replaces valine 1056 with alanine.
Molecular consequence: missense variant.
Genome position (GRCh38, 1-based): chr2:47,801,150, T>C. VCF-style: chr2-47801150-T-C. GRCh37 (hg19) VCF-style: chr2-48028289-T-C.
Other names: c.2777T>C, p.Val926Ala (NM_001281492.2); c.2261T>C, p.Val754Ala (NM_001281493.2, NM_001281494.2, NM_001406811.1 and 6 more transcripts); c.3263T>C, p.Val1088Ala (NM_001406795.1, NM_001406802.1); c.3167T>C, p.Val1056Ala (NM_001406796.1, NM_001406798.1, NM_001406800.1 and 2 more transcripts); c.2870T>C, p.Val957Ala (NM_001406797.1, NM_001406801.1, NM_001406805.1 and 10 more transcripts); c.2642T>C, p.Val881Ala (NM_001406799.1, NM_001406806.1, NM_001406807.1); c.3089T>C, p.Val1030Ala (NM_001406804.1); c.3173T>C, p.Val1058Ala (NM_001406813.1); and 2 more; short protein forms V926A, V957A, V1056A, V371A, V1058A, V881A, V1000A, V1030A.
Identifiers: ClinVar variation 1728379 (VCV001728379.3), dbSNP rs2104443617, ClinGen allele CA346756743.

ClinVar aggregate classification (germline): Uncertain significance (1 of 4 stars; one submission).

Conditions:
Hereditary cancer-predisposing syndrome. Also called: Tumor predisposition; Neoplastic Syndromes, Hereditary; Hereditary Cancer Syndrome; Hereditary neoplastic syndrome. Identifiers: Orphanet 140162, MedGen C0027672, MeSH D009386, MONDO:0015356.

Submission:

Ambry Genetics
Classification: Uncertain significance for Hereditary cancer-predisposing syndrome. Last evaluated: 2024-07-10. Review status: criteria provided, single submitter. Criteria: Ambry Variant Classification Scheme 2023. Collection method: clinical testing. Allele origin: germline.
Comment: The p.V1056A variant (also known as c.3167T>C), located in coding exon 4 of the MSH6 gene, results from a T to C substitution at nucleotide position 3167. The valine at codon 1056 is replaced by alanine, an amino acid with similar properties. This amino acid position is highly conserved in available vertebrate species. In addition, this alteration is predicted to be deleterious by in silico analysis. Based on the available evidence, the clinical significance of this variant remains unclear.